The following is an entry in ClinVar:

NM_201384.3(PLEC):c.11342C>T (p.Ser3781Leu)

Gene: PLEC (plectin; minus strand). Cytogenetic location: 8q24.3.
Variant type: single nucleotide variant.
Coding change: c.11342C>T on transcript NM_201384.3 (MANE Select); coding-DNA position 11342, C replaced by T.
Protein change: p.Ser3781Leu; replaces serine 3781 with leucine.
Molecular consequence: missense variant.
Genome position (GRCh38, 1-based): chr8:143,918,479, G>A on the plus strand (C>T on the coding strand, the complement: PLEC is on the minus strand). VCF-style: chr8-143918479-G-A. GRCh37 (hg19) VCF-style: chr8-144992647-G-A.
Other names: c.11423C>T, p.Ser3808Leu (NM_000445.5); c.8042C>T, p.Ser2681Leu (NM_001410941.1); c.11300C>T, p.Ser3767Leu (NM_201378.4); c.11276C>T, p.Ser3759Leu (NM_201379.3); c.11753C>T, p.Ser3918Leu (NM_201380.4); c.11246C>T, p.Ser3749Leu (NM_201381.3); c.11342C>T, p.Ser3781Leu (NM_201382.4); c.11354C>T, p.Ser3785Leu (NM_201383.3); short protein forms S3749L, S3781L, S3767L, S3785L, S3918L, S3759L, S2681L, S3808L.
Identifiers: ClinVar variation 2924629 (VCV002924629.3), dbSNP rs782127715, ClinGen allele CA4924375.

ClinVar aggregate classification (germline): Uncertain significance (1 of 4 stars; one submission).

Conditions:
Epidermolysis bullosa simplex with nail dystrophy (EBS5D). Identifiers: MedGen C4225309, MONDO:0014661, OMIM 616487.
Epidermolysis bullosa simplex, Ogna type (EBS5A). Also called: EPIDERMOLYSIS BULLOSA SIMPLEX 5A, OGNA TYPE; Pidermolysis bullosa simplex 5A, Ogna type. Identifiers: Orphanet 79401, MedGen C0432317, MONDO:0007555, OMIM 131950.
Epidermolysis bullosa simplex 5C, with pyloric atresia (EBS5C). Also called: PLEC1-Related Epidermolysis Bullosa with Pyloric Atresia; PLEC-Related Epidermolysis Bullosa with Pyloric Atresia; Epidermolysis bullosa simplex with pyloric atresia. Identifiers: Orphanet 158684, MedGen C2677349, MONDO:0012807, OMIM 612138.
Autosomal recessive limb-girdle muscular dystrophy type 2Q (LGMDR17). Also called: MUSCULAR DYSTROPHY, LIMB-GIRDLE, AUTOSOMAL RECESSIVE 17. Identifiers: Orphanet 254361, MedGen C3150989, MONDO:0013390, OMIM 613723.
Epidermolysis bullosa simplex 5B, with muscular dystrophy (EBS5B). Also called: EPIDERMOLYSIS BULLOSA SIMPLEX AND LIMB-GIRDLE MUSCULAR DYSTROPHY; Epidermolysis bullosa simplex with muscular dystrophy. Identifiers: Orphanet 257, MedGen C2931072, MONDO:0009181, OMIM 226670.

Allele frequency attached by ClinVar (database versions not stated): gnomAD exomes below 0.00001; gnomAD 0.00001; ExAC 0.00002.
gnomAD v4.1: 7 of 1,597,032 alleles (0.00044%); highest among the groups gnomAD compares: Middle Eastern, 0.017%; no homozygotes.

Submission:

Labcorp Genetics (formerly Invitae), Labcorp
Classification: Uncertain significance for Autosomal recessive limb-girdle muscular dystrophy type 2Q; Epidermolysis bullosa simplex, Ogna type; Epidermolysis bullosa simplex with nail dystrophy; Epidermolysis bullosa simplex 5C, with pyloric atresia; Epidermolysis bullosa simplex 5B, with muscular dystrophy. Last evaluated: 2024-02-17. Review status: criteria provided, single submitter. Criteria: Invitae Variant Classification Sherloc (09022015). Collection method: clinical testing. Allele origin: germline.
Comment: This sequence change replaces serine, which is neutral and polar, with leucine, which is neutral and non-polar, at codon 3808 of the PLEC protein (p.Ser3808Leu). This variant is present in population databases (rs782127715, gnomAD 0.007%). This variant has not been reported in the literature in individuals affected with PLEC-related conditions. An algorithm developed to predict the effect of missense changes on protein structure and function (PolyPhen-2) suggests that this variant is likely to be disruptive. In summary, the available evidence is currently insufficient to determine the role of this variant in disease. Therefore, it has been classified as a Variant of Uncertain Significance.